The following is an entry in ClinVar:

ClinVar aggregate classification (germline): Benign. Review status: criteria provided, multiple submitters, no conflicts (2 of 4 stars). 5 submissions from 5 submitters: Benign (5). Last evaluated 2026-01-25.

Conditions:
Temtamy preaxial brachydactyly syndrome (TPBS). Identifiers: Orphanet 363417, MedGen C1854466, MONDO:0011533, OMIM 605282.

Allele frequency attached by ClinVar (database versions not stated): gnomAD 0.00111 and 0.00162; gnomAD exomes 0.00137 and 0.00364; TOPMed 0.00173; ExAC 0.00339; 1000 Genomes Project 30x 0.00874; 1000 Genomes Project 0.00978.
gnomAD v4.1: 2,455 of 1,614,194 alleles (0.15%); highest among the groups gnomAD compares: East Asian, 4.4%; 63 homozygotes.

Submissions (5):

Labcorp Genetics (formerly Invitae), Labcorp
Classification: Benign for Temtamy preaxial brachydactyly syndrome. Last evaluated: 2026-01-25. Review status: criteria provided, single submitter. Criteria: Invitae Variant Classification Sherloc (09022015). Collection method: clinical testing. Allele origin: germline.

Mayo Clinic Laboratories, Mayo Clinic
Classification: Benign. Last evaluated: 2024-11-18. Review status: criteria provided, single submitter. Criteria: ACMG Guidelines, 2015. Collection method: clinical testing. Allele origin: germline. Observed: 1 variant allele.
Comment: BS1, BS2, BP4, BP7

GeneDx
Classification: Benign. Last evaluated: 2021-04-01. Review status: criteria provided, single submitter. Criteria: GeneDx Variant Classification Process June 2021. Collection method: clinical testing. Allele origin: germline. Affected: yes.

Athena Diagnostics
Classification: Benign. Last evaluated: 2019-10-24. Review status: criteria provided, single submitter. Criteria: Athena Diagnostics Criteria. Collection method: clinical testing. Allele origin: unknown.

Breakthrough Genomics
Classification: Benign. Review status: criteria provided, single submitter. Criteria: ACMG Guidelines, 2015. Collection method: not provided. Allele origin: germline. Inheritance: Autosomal recessive inheritance. Affected: yes.

NM_014918.5(CHSY1):c.534A>G (p.Gly178=)

Gene: CHSY1 (chondroitin sulfate synthase 1; minus strand). Cytogenetic location: 15q26.3.
Variant type: single nucleotide variant.
Coding change: c.534A>G on transcript NM_014918.5 (MANE Select); coding-DNA position 534, A replaced by G.
Protein change: p.Gly178=; no amino-acid change (glycine 178 retained).
Molecular consequence: synonymous variant.
Genome position (GRCh38, 1-based): chr15:101,235,364, T>C on the plus strand (A>G on the coding strand, the complement: CHSY1 is on the minus strand). VCF-style: chr15-101235364-T-C. GRCh37 (hg19) VCF-style: chr15-101775569-T-C.
Other names: p.Gly178=.
Identifiers: ClinVar variation 779965 (VCV000779965.14), dbSNP rs3743192, ClinGen allele CA7762709.